The following is an entry in ClinVar:

NM_001105206.3(LAMA4):c.3842T>A (p.Val1281Glu)

Gene: LAMA4 (laminin subunit alpha 4; minus strand). Cytogenetic location: 6q21.
Variant type: single nucleotide variant.
Coding change: c.3842T>A on transcript NM_001105206.3 (MANE Select); coding-DNA position 3842, T replaced by A.
Protein change: p.Val1281Glu; replaces valine 1281 with glutamic acid.
Molecular consequence: missense variant.
Genome position (GRCh38, 1-based): chr6:112,131,094, A>T on the plus strand (T>A on the coding strand, the complement: LAMA4 is on the minus strand). VCF-style: chr6-112131094-A-T. GRCh37 (hg19) VCF-style: chr6-112452296-A-T.
Other names: c.3821T>A, p.Val1274Glu (NM_001105207.3, NM_002290.5); short protein forms V1281E, V1274E.
Identifiers: ClinVar variation 1382312 (VCV001382312.6), dbSNP rs2114647018, ClinGen allele CA365374358.
Genomic context (GRCh38, chr6:112,131,094, plus strand): 5'-TGAACTTTGATTCCCTTTACATCCATGATGACAGTACCATTATCCAGTGAGATGGAGAAC[A>T]CGTCTGACTGAAATGCAAGCACAGGCATGTAAGTAGGGAGTCTAGGGATCCAAAAGACGG-3'
Protein context (NP_001098676.2, residues 1271-1291): LLFYYASGSD[Val1281Glu]FSISLDNGTV

ClinVar aggregate classification (germline): Uncertain significance (1 of 4 stars; one submission).

Conditions:
Dilated cardiomyopathy 1JJ (CMD1JJ). Identifiers: Orphanet 154, MedGen C3808935, MONDO:0014095, OMIM 615235.

Submission:

Labcorp Genetics (formerly Invitae), Labcorp
Classification: Uncertain significance for Dilated cardiomyopathy 1JJ. Last evaluated: 2021-09-19. Review status: criteria provided, single submitter. Criteria: Invitae Variant Classification Sherloc (09022015). Collection method: clinical testing. Allele origin: germline.
Comment: This sequence change replaces valine with glutamic acid at codon 1274 of the LAMA4 protein (p.Val1274Glu). The valine residue is highly conserved and there is a moderate physicochemical difference between valine and glutamic acid. This variant is not present in population databases (ExAC no frequency). This variant has not been reported in the literature in individuals affected with LAMA4-related conditions. Algorithms developed to predict the effect of missense changes on protein structure and function (SIFT, PolyPhen-2, Align-GVGD) all suggest that this variant is likely to be tolerated. In summary, the available evidence is currently insufficient to determine the role of this variant in disease. Therefore, it has been classified as a Variant of Uncertain Significance.